The following is an entry in ClinVar:

NM_001267550.2(TTN):c.22628C>T (p.Pro7543Leu)

Gene: TTN (titin; minus strand). Cytogenetic location: 2q31.2.
Variant type: single nucleotide variant.
Coding change: c.22628C>T on transcript NM_001267550.2 (MANE Select); coding-DNA position 22628, C replaced by T.
Protein change: p.Pro7543Leu; replaces proline 7543 with leucine.
Molecular consequence: missense variant. On other transcripts: intron variant (3).
Genome position (GRCh38, 1-based): chr2:178,722,035, G>A on the plus strand (C>T on the coding strand, the complement: TTN is on the minus strand). VCF-style: chr2-178722035-G-A. GRCh37 (hg19) VCF-style: chr2-179586762-G-A.
Other names: c.21677C>T, p.Pro7226Leu (NM_001256850.1); c.18896C>T, p.Pro6299Leu (NM_133378.4); c.13282+16047C>T (NM_003319.4); c.13858+16047C>T (NM_133437.4); c.13657+16047C>T (NM_133432.3); short protein forms P7543L, P6299L, P7226L.
Identifiers: ClinVar variation 466908 (VCV000466908.10), dbSNP rs560272834, ClinGen allele CA2000798.

ClinVar aggregate classification (germline): Conflicting classifications of pathogenicity. Review status: criteria provided, conflicting classifications (1 of 4 stars). 5 submissions from 5 submitters: Uncertain significance (4); Likely benign (1). Last evaluated 2025-12-10.

Conditions:
TTN-related disorder. Also called: TTN-related condition; TTN-related disease; TTN-related disorders.
Autosomal recessive limb-girdle muscular dystrophy type 2J (LGMDR10). Also called: Limb-girdle muscular dystrophy, type 2J; MUSCULAR DYSTROPHY, LIMB-GIRDLE, AUTOSOMAL RECESSIVE 10. Identifiers: Orphanet 140922, MedGen C1837342, MONDO:0012127, OMIM 608807.
Dilated cardiomyopathy 1G (CMD1G). Identifiers: Orphanet 154, MedGen C1858763, MONDO:0011400, OMIM 604145.

Allele frequency attached by ClinVar (database versions not stated): gnomAD 0.00002 and 0.00003; TOPMed 0.00003; ExAC 0.00004; gnomAD exomes 0.00010.
gnomAD v4.1: 59 of 1,613,366 alleles (0.0037%); highest among the groups gnomAD compares: Admixed American, 0.042%; no homozygotes.

Submissions (5):

PreventionGenetics, part of Exact Sciences
Classification: Uncertain significance for TTN-related condition. Last evaluated: 2025-12-10. Review status: criteria provided, single submitter. Criteria: ACMG Guidelines, 2015. Collection method: clinical testing. Allele origin: germline.
Comment: The TTN c.22628C>T variant is predicted to result in the amino acid substitution p.Pro7543Leu. To our knowledge, this variant has not been reported in the literature. This variant is reported in 0.061% of alleles in individuals of Latino descent in gnomAD, which may be too frequent to be a primary cause of disease. Although we suspect that this variant may be benign, at this time, the clinical significance of this variant is uncertain due to the absence of conclusive functional and genetic evidence.

Women's Health and Genetics/Laboratory Corporation of America, LabCorp
Classification: Uncertain significance. Last evaluated: 2025-05-13. Review status: criteria provided, single submitter. Criteria: LabCorp Variant Classification Summary - May 2015. Collection method: clinical testing. Allele origin: germline.
Comment: Variant summary: TTN c.18896C>T (p.Pro6299Leu) results in a non-conservative amino acid change in the encoded protein sequence. Algorithms developed to predict the effect of missense changes on protein structure and function are either unavailable or do not agree on the potential impact of this missense change. The variant allele was found at a frequency of 0.0001 in 248626 control chromosomes. This frequency is not significantly higher than estimated for a pathogenic variant in TTN causing Autosomal Recessive Titinopathy (0.0001 vs 0.00039), allowing no conclusion about variant significance. To our knowledge, no occurrence of c.18896C>T in individuals affected with Autosomal Recessive Titinopathy and no experimental evidence demonstrating its impact on protein function have been reported. ClinVar contains an entry for this variant (Variation ID: 466908). Based on the evidence outlined above, the variant was classified as uncertain significance.

Revvity Omics, Revvity
Classification: Uncertain significance. Last evaluated: 2019-12-08. Review status: criteria provided, single submitter. Criteria: ACMG Guidelines, 2015. Collection method: clinical testing. Allele origin: germline.

GeneDx
Classification: Likely benign. Last evaluated: 2019-12-05. Review status: criteria provided, single submitter. Criteria: GeneDx Variant Classification Process June 2021. Collection method: clinical testing. Allele origin: germline. Affected: yes.

Labcorp Genetics (formerly Invitae), Labcorp
Classification: Uncertain significance for Dilated cardiomyopathy 1G; Autosomal recessive limb-girdle muscular dystrophy type 2J. Last evaluated: 2017-03-13. Review status: criteria provided, single submitter. Criteria: Invitae Variant Classification Sherloc (09022015). Collection method: clinical testing. Allele origin: germline.